The following is an entry in ClinVar:

ClinVar aggregate classification (germline): Pathogenic. Review status: criteria provided, multiple submitters, no conflicts (2 of 4 stars). 3 submissions from 3 submitters: Pathogenic (3). Last evaluated 2019-07-01.

Conditions:
DICER1-related tumor predisposition. Also called: DICER1 syndrome; DICER1-related pleuropulmonary blastoma cancer predisposition syndrome. Identifiers: Orphanet 284343, MedGen C3839822, MONDO:0100216.
Hereditary cancer-predisposing syndrome. Also called: Tumor predisposition; Hereditary Cancer Syndrome; Neoplastic Syndromes, Hereditary; Hereditary neoplastic syndrome. Identifiers: Orphanet 140162, MedGen C0027672, MeSH D009386, MONDO:0015356.

Submissions (3):

Foulkes Cancer Genetics LDI, Lady Davis Institute for Medical Research
Classification: Pathogenic for Pleuropulmonary blastoma. Last evaluated: 2019-07-01. Review status: criteria provided, single submitter. Criteria: ACMG Guidelines, 2015. Collection method: curation. Allele origin: germline. Affected: yes. Observed: 3 variant alleles.
Comment: ACMG criteria met: PVS1, PM2, PP4

International Pleuropulmonary Blastoma Registry, Children's Hospitals and Clinics of Minnesota
Classification: Pathogenic for Pleuropulmonary blastoma. Last evaluated: 2014-11-10. Review status: criteria provided, single submitter. Criteria: Hill et al. (Science. 2009). Collection method: clinical testing. Allele origin: germline. Affected: yes. Study: PPB-DICER1 Genetic study.

Ambry Genetics
Classification: Pathogenic for Hereditary cancer-predisposing syndrome. Last evaluated: 2014-02-18. Review status: criteria provided, single submitter. Criteria: Ambry Autosomal Dominant and X-Linked criteria (10/2015). Collection method: clinical testing. Allele origin: germline. Observed: 1 variant allele.
Comment: This alteration is expected to result in loss of function by premature protein truncation or nonsense-mediatedâ€¯mRNAâ€¯decay.â€¯As such, this alteration is interpreted as a disease-causing mutation.

Literature cited by the submitters: PubMed 26925222 (cited by Foulkes Cancer Genetics LDI, Lady Davis Institute for Medical Research and International Pleuropulmonary Blastoma Registry, Children's Hospitals and Clinics of Minnesota).

NM_177438.3(DICER1):c.3515_3525delinsA (p.Leu1172fs)

Gene: DICER1 (dicer 1, ribonuclease III; minus strand). Cytogenetic location: 14q32.13.
Variant type: Indel.
Coding change: c.3515_3525delinsA on transcript NM_177438.3 (MANE Select); coding-DNA positions 3515 to 3525, TTACAGCAATT replaced by A.
Protein change: p.Leu1172fs; shifts the reading frame from leucine 1172.
Molecular consequence: frameshift variant.
Genome position (GRCh38, 1-based): chr14:95,103,871-95,103,881, AATTGCTGTAA replaced by T on the plus strand (TTACAGCAATT replaced by A on the coding strand, the reverse complement: DICER1 is on the minus strand). VCF-style: chr14-95103871-AATTGCTGTAA-T. GRCh37 (hg19) VCF-style: chr14-95570208-AATTGCTGTAA-T.
Other names: c.3515_3525delTTACAGCAATTinsA (NM_177438.2); c.3515_3525delinsA, p.Leu1172fs (NM_001195573.1, NM_001271282.3, NM_001291628.2 and 1 more transcripts); short protein forms L1172fs.
Identifiers: ClinVar variation 254320 (VCV000254320.6), dbSNP rs886037701, ClinGen allele CA10586430.